The following is an entry in ClinVar:

NM_001291303.3(FAT4):c.8636A>G (p.Tyr2879Cys)

Gene: FAT4 (FAT atypical cadherin 4; plus strand). Cytogenetic location: 4q28.1.
Variant type: single nucleotide variant.
Coding change: c.8636A>G on transcript NM_001291303.3 (MANE Select); coding-DNA position 8636, A replaced by G.
Protein change: p.Tyr2879Cys; replaces tyrosine 2879 with cysteine.
Molecular consequence: missense variant.
Genome position (GRCh38, 1-based): chr4:125,449,646, A>G. VCF-style: chr4-125449646-A-G. GRCh37 (hg19) VCF-style: chr4-126370801-A-G.
Other names: c.8630A>G (NM_024582.4); c.8636A>G, p.Tyr2879Cys (NM_001291285.3); c.8630A>G, p.Tyr2877Cys (NM_024582.6); c.8636A>G (NM_001291303.1); short protein forms Y2879C, Y2877C.
Identifiers: ClinVar variation 1433662 (VCV001433662.7), dbSNP rs781160819, ClinGen allele CA3073406.

ClinVar aggregate classification (germline): Uncertain significance. Review status: criteria provided, multiple submitters, no conflicts (2 of 4 stars). 3 submissions from 3 submitters: Uncertain significance (3). Last evaluated 2026-07-03.

Conditions:
FAT4-related disorder. Also called: FAT4-related condition.
Inborn genetic diseases. Identifiers: MedGen C0950123, MeSH D030342.

Allele frequency attached by ClinVar (database versions not stated): gnomAD exomes 0.00001; ExAC 0.00002; TOPMed 0.00006; gnomAD 0.00007.
gnomAD v4.1: 22 of 1,613,854 alleles (0.0014%); highest among the groups gnomAD compares: African/African-American, 0.017%; no homozygotes.

Submissions (3):

PreventionGenetics, part of Exact Sciences
Classification: Uncertain significance for FAT4-related condition. Last evaluated: 2026-07-03. Review status: criteria provided, single submitter. Criteria: ACMG Guidelines, 2015. Collection method: clinical testing. Allele origin: germline.
Comment: The FAT4 c.8636A>G variant is predicted to result in the amino acid substitution p.Tyr2879Cys. To our knowledge, this variant has not been reported in the literature. This variant is reported in 0.016% of alleles in individuals of African descent in gnomAD. At this time, the clinical significance of this variant is uncertain due to the absence of conclusive functional and genetic evidence.

Labcorp Genetics (formerly Invitae), Labcorp
Classification: Uncertain significance. Last evaluated: 2022-02-07. Review status: criteria provided, single submitter. Criteria: Invitae Variant Classification Sherloc (09022015). Collection method: clinical testing. Allele origin: germline.
Comment: This sequence change replaces tyrosine, which is neutral and polar, with cysteine, which is neutral and slightly polar, at codon 2877 of the FAT4 protein (p.Tyr2877Cys). This variant is present in population databases (rs781160819, gnomAD 0.02%). This variant has not been reported in the literature in individuals affected with FAT4-related conditions. Advanced modeling of protein sequence and biophysical properties (such as structural, functional, and spatial information, amino acid conservation, physicochemical variation, residue mobility, and thermodynamic stability) performed at Invitae indicates that this missense variant is expected to disrupt FAT4 protein function. In summary, the available evidence is currently insufficient to determine the role of this variant in disease. Therefore, it has been classified as a Variant of Uncertain Significance.

Ambry Genetics
Classification: Uncertain significance for Inborn genetic diseases. Last evaluated: 2021-07-21. Review status: criteria provided, single submitter. Criteria: Ambry Variant Classification Scheme 2023. Collection method: clinical testing. Allele origin: germline.